The following is an entry in ClinVar:

ClinVar aggregate classification (germline): Pathogenic/Likely pathogenic. Review status: criteria provided, multiple submitters, no conflicts (2 of 4 stars). 7 submissions from 7 submitters: Pathogenic (3); Likely pathogenic (4). Last evaluated 2025-03-28.

Conditions:
ARL6-related disorder. Also called: ARL6-related condition.
Bardet-Biedl syndrome (BBS). Identifiers: Orphanet 110, MedGen C0752166, MONDO:0015229.
Retinitis pigmentosa 55 (RP55). Identifiers: Orphanet 791, MedGen C3150808, MONDO:0013312, OMIM 613575.
Bardet-Biedl syndrome 3 (BBS3). Identifiers: Orphanet 110, MedGen C1859564, MONDO:0010832, OMIM 600151.
Bardet-Biedl syndrome 1 (BBS1). Identifiers: MedGen C2936862, MONDO:0008854, OMIM 209900. Disease mechanism: loss of function.

Allele frequency attached by ClinVar (database versions not stated): ExAC 0.00001; gnomAD exomes 0.00001.
gnomAD v4.1: 4 of 1,612,332 alleles (0.00025%); highest among the groups gnomAD compares: South Asian, 0.0044%; no homozygotes.

Submissions (7):

Revvity Omics, Revvity
Classification: Likely pathogenic. Last evaluated: 2025-03-28. Review status: criteria provided, single submitter. Criteria: ACMG Guidelines, 2015. Collection method: clinical testing. Allele origin: germline.

SingHealth Duke-NUS Institute of Precision Medicine
Classification: Likely pathogenic for Bardet-Biedl syndrome 3. Last evaluated: 2025-02-05. Review status: criteria provided, single submitter. Criteria: PRISM ACMG Classification Criteria. Collection method: clinical testing. Allele origin: germline. Affected: yes.
Comment: Homozygous allele count in gnomAD exomes and genomes are less than 0 (PM2). Variant is located in a mutational hotspot where 50% of the variants are classified as pathogenic (PM1). REVEL score is 0.968 (PP3_str). Variant has been observed to be in trans with other pathogenic variants (PM3, PMID: 24400638, 29806606)

Fulgent Genetics
Classification: Pathogenic for Bardet-Biedl syndrome 1; Bardet-Biedl syndrome 3; Retinitis pigmentosa 55. Last evaluated: 2024-05-08. Review status: criteria provided, single submitter. Criteria: ACMG Guidelines, 2015. Collection method: clinical testing. Allele origin: germline.

Women's Health and Genetics/Laboratory Corporation of America, LabCorp
Classification: Pathogenic for Bardet-Biedl syndrome. Last evaluated: 2024-05-08. Review status: criteria provided, single submitter. Criteria: LabCorp Variant Classification Summary - May 2015. Collection method: clinical testing. Allele origin: germline.
Comment: Variant summary: ARL6 c.272T>C (p.Ile91Thr) results in a non-conservative amino acid change in the encoded protein sequence. Three of three in-silico tools predict a damaging effect of the variant on protein function. The variant allele was found at a frequency of 1.2e-05 in 251078 control chromosomes. c.272T>C has been reported in the literature in multiple individuals affected with Bardet-Biedl Syndrome (example, Chandrasekar_2018, SathyaPriya_2015) . These data indicate that the variant is very likely to be associated with disease. To our knowledge, no experimental evidence demonstrating an impact on protein function has been reported. The following publications have been ascertained in the context of this evaluation (PMID: 29806606, 24400638). ClinVar contains an entry for this variant (Variation ID: 68064). Based on the evidence outlined above, the variant was classified as pathogenic.

Blueprint Genetics
Classification: Likely pathogenic for ARL6-related disorders. Last evaluated: 2024-05-06. Review status: criteria provided, single submitter. Criteria: ACMG Guidelines, 2015. Collection method: clinical testing. Allele origin: germline. Affected: yes. Observed: 3 variant alleles.

Labcorp Genetics (formerly Invitae), Labcorp
Classification: Pathogenic for Retinitis pigmentosa 55; Bardet-Biedl syndrome 3. Last evaluated: 2023-09-19. Review status: criteria provided, single submitter. Criteria: Invitae Variant Classification Sherloc (09022015). Collection method: clinical testing. Allele origin: germline.
Comment: This sequence change replaces isoleucine, which is neutral and non-polar, with threonine, which is neutral and polar, at codon 91 of the ARL6 protein (p.Ile91Thr). For these reasons, this variant has been classified as Pathogenic. An algorithm developed to predict the effect of missense changes on protein structure and function (PolyPhen-2) suggests that this variant is likely to be disruptive. ClinVar contains an entry for this variant (Variation ID: 68064). This missense change has been observed in individual(s) with Bardet-Biedl syndrome (PMID: 24400638, 29806606). This variant is present in population databases (rs137854907, gnomAD 0.01%).

SN ONGC Dept of Genetics and Molecular biology Vision Research Foundation
Classification: Likely pathogenic for Bardet-Biedl syndrome. Last evaluated: 2023-06-02. Review status: criteria provided, single submitter. Criteria: ACMG Guidelines, 2015. Collection method: research. Allele origin: biparental. Affected: yes.

Literature cited by the submitters: PubMed 24400638 (cited by 3 submitters); PubMed 29806606 (cited by 3 submitters).

NM_001278293.3(ARL6):c.272T>C (p.Ile91Thr)

Gene: ARL6 (ARF like GTPase 6; plus strand). Cytogenetic location: 3q11.2.
Variant type: single nucleotide variant.
Coding change: c.272T>C on transcript NM_001278293.3 (MANE Select); coding-DNA position 272, T replaced by C.
Protein change: p.Ile91Thr; replaces isoleucine 91 with threonine.
Molecular consequence: missense variant. On other transcripts: non-coding transcript variant (7).
Genome position (GRCh38, 1-based): chr3:97,784,972, T>C. VCF-style: chr3-97784972-T-C. GRCh37 (hg19) VCF-style: chr3-97503816-T-C.
Other names: BBS3_p.I91T; c.272T>C, p.Ile91Thr (NM_001323513.2, NM_001323514.2, NM_032146.5 and 1 more transcripts); short protein forms I91T.
Identifiers: ClinVar variation 68064 (VCV000068064.11), dbSNP rs137854907, ClinGen allele CA280042.
Genomic context (GRCh38, chr3:97,784,972, plus strand): 5'-TATAAGTAAAGCTTTAATTTTTCTTTTTCTTTACATTACACAGAGAAGGCCAAGCTATTA[T>C]TTTTGTCATTGATAGTAGTGATAGATTAAGAATGGTTGTGGCCAAAGAAGAACTCGATAC-3'
Protein context (NP_001265222.1, residues 81-101): EHYYKEGQAI[Ile91Thr]FVIDSSDRLR